The following is an entry in ClinVar:

ClinVar aggregate classification (germline): Uncertain significance (1 of 4 stars; one submission).

Conditions:
Cardiomyopathy (CMYO). Also called: Cardiomyopathies. Identifiers: Orphanet 167848, MedGen C0878544, MONDO:0004994, HP:0001638. Inheritance: Various modes of inheritance.

Submission:

Color Diagnostics, LLC DBA Color Health
Classification: Uncertain significance for Cardiomyopathy. Last evaluated: 2025-06-09. Review status: criteria provided, single submitter. Criteria: ACMG Guidelines, 2015. Collection method: clinical testing. Allele origin: germline.
Comment: This missense variant replaces cysteine with serine at codon 3481 of the RYR2 protein. Computational prediction suggests that this variant may have deleterious impact on protein structure and function. To our knowledge, functional studies have not been reported for this variant. This variant has not been reported in individuals affected with RYR2-related disorders in the literature. This variant has not been identified in the general population by the Genome Aggregation Database (gnomAD). The available evidence is insufficient to determine the role of this variant in disease conclusively. Therefore, this variant is classified as a Variant of Uncertain Significance.

NM_001035.3(RYR2):c.10442G>C (p.Cys3481Ser)

Gene: RYR2 (ryanodine receptor 2; plus strand). Cytogenetic location: 1q43.
Variant type: single nucleotide variant.
Coding change: c.10442G>C on transcript NM_001035.3 (MANE Select); coding-DNA position 10442, G replaced by C.
Protein change: p.Cys3481Ser; replaces cysteine 3481 with serine.
Molecular consequence: missense variant.
Genome position (GRCh38, 1-based): chr1:237,717,316, G>C. VCF-style: chr1-237717316-G-C. GRCh37 (hg19) VCF-style: chr1-237880616-G-C.
Other names: short protein forms C3481S.
Identifiers: ClinVar variation 4757216 (VCV004757216.1).
Genomic context (GRCh38, chr1:237,717,316, plus strand): 5'-TGCAGACCTCTCTGATTGTAGCAGCTCTGAAGCGGTTACTGCCCATTGGGTTGAACATCT[G>C]TGCCCCTGGGGACCAGGAGCTCATTGCTCTGGCCAAAAATCGATTTAGCCTGGTAAGTCT-3'
Protein context (NP_001026.2, residues 3471-3491): KRLLPIGLNI[Cys3481Ser]APGDQELIAL